The following is an entry in ClinVar:

ClinVar aggregate classification (germline): Uncertain significance. Review status: criteria provided, multiple submitters, no conflicts (2 of 4 stars). 2 submissions from 2 submitters: Uncertain significance (2). Last evaluated 2026-06-17.

Conditions:
Hereditary cancer-predisposing syndrome. Also called: Hereditary Cancer Syndrome; Hereditary neoplastic syndrome; Neoplastic Syndromes, Hereditary; Tumor predisposition. Identifiers: Orphanet 140162, MedGen C0027672, MeSH D009386, MONDO:0015356.
Familial cancer of breast. Also called: BREAST CANCER, FAMILIAL; Hereditary breast cancer; hereditary breast carcinoma. Identifiers: Orphanet 227535, MedGen C0346153, MONDO:0016419, OMIM 114480. Disease mechanism: loss of function.

Submissions (2):

Ambry Genetics
Classification: Uncertain significance for Hereditary cancer-predisposing syndrome. Last evaluated: 2026-06-17. Review status: criteria provided, single submitter. Criteria: Ambry Variant Classification Scheme 2023. Collection method: clinical testing. Allele origin: germline.
Comment: The p.G324R variant (also known as c.970G>A), located in coding exon 7 of the CDH1 gene, results from a G to A substitution at nucleotide position 970. The glycine at codon 324 is replaced by arginine, an amino acid with dissimilar properties. This amino acid position is highly conserved in available vertebrate species. In addition, this alteration is predicted to be deleterious by in silico analysis. Based on the available evidence, the clinical significance of this variant remains unclear.

Baylor Genetics
Classification: Uncertain significance for Familial cancer of breast. Last evaluated: 2023-09-27. Review status: criteria provided, single submitter. Criteria: ACMG Guidelines, 2015. Collection method: clinical testing. Allele origin: unknown.

NM_004360.5(CDH1):c.970G>A (p.Gly324Arg)

Gene: CDH1 (cadherin 1; plus strand). Cytogenetic location: 16q22.1.
Variant type: single nucleotide variant.
Coding change: c.970G>A on transcript NM_004360.5 (MANE Select); coding-DNA position 970, G replaced by A.
Protein change: p.Gly324Arg; replaces glycine 324 with arginine.
Molecular consequence: missense variant. On other transcripts: 5 prime UTR variant (2).
Genome position (GRCh38, 1-based): chr16:68,811,821, G>A. VCF-style: chr16-68811821-G-A. GRCh37 (hg19) VCF-style: chr16-68845724-G-A.
Other names: c.970G>A, p.Gly324Arg (NM_001317184.2); c.-646G>A (NM_001317185.2); c.-850G>A (NM_001317186.2); short protein forms G324R.
Identifiers: ClinVar variation 1767946 (VCV001767946.4), dbSNP rs2152132103, ClinGen allele CA396459833.
Genomic context (GRCh38, chr16:68,811,821, plus strand): 5'-ATCCTCAGCCAAGATCCTGAGCTCCCTGACAAAAATATGTTCACCATTAACAGGAACACA[G>A]GAGTCATCAGTGTGGTCACCACTGGGCTGGACCGAGAGGTCAGGGGTCAGGAGGATCCAG-3'
Protein context (NP_004351.1, residues 314-334): KNMFTINRNT[Gly324Arg]VISVVTTGLD